The following is an entry in ClinVar:

ClinVar aggregate classification (germline): Uncertain significance. Review status: criteria provided, multiple submitters, no conflicts (2 of 4 stars). 2 submissions from 2 submitters: Uncertain significance (2). Last evaluated 2024-09-30.

Conditions:
Inborn genetic diseases. Identifiers: MedGen C0950123, MeSH D030342.

Allele frequency attached by ClinVar (database versions not stated): ExAC 0.00005.
gnomAD v4.1: 12 of 1,613,580 alleles (0.00074%); highest among the groups gnomAD compares: Admixed American, 0.02%; no homozygotes.

Submissions (2):

Ambry Genetics
Classification: Uncertain significance for Inborn genetic diseases. Last evaluated: 2024-09-30. Review status: criteria provided, single submitter. Criteria: Ambry Variant Classification Scheme 2023. Collection method: clinical testing. Allele origin: germline.

Labcorp Genetics (formerly Invitae), Labcorp
Classification: Uncertain significance. Last evaluated: 2022-04-19. Review status: criteria provided, single submitter. Criteria: Invitae Variant Classification Sherloc (09022015). Collection method: clinical testing. Allele origin: germline.
Comment: This sequence change replaces cysteine, which is neutral and slightly polar, with phenylalanine, which is neutral and non-polar, at codon 522 of the RGS9 protein (p.Cys522Phe). This variant is present in population databases (rs777245999, gnomAD 0.03%). This variant has not been reported in the literature in individuals affected with RGS9-related conditions. Algorithms developed to predict the effect of missense changes on protein structure and function are either unavailable or do not agree on the potential impact of this missense change (SIFT: "Deleterious"; PolyPhen-2: "Probably Damaging"; Align-GVGD: "Class C0"). In summary, the available evidence is currently insufficient to determine the role of this variant in disease. Therefore, it has been classified as a Variant of Uncertain Significance.

NM_003835.4(RGS9):c.1565G>T (p.Cys522Phe)

Gene: RGS9 (regulator of G protein signaling 9; plus strand). Cytogenetic location: 17q24.1.
Variant type: single nucleotide variant.
Coding change: c.1565G>T on transcript NM_003835.4 (MANE Select); coding-DNA position 1565, G replaced by T.
Protein change: p.Cys522Phe; replaces cysteine 522 with phenylalanine.
Molecular consequence: missense variant.
Genome position (GRCh38, 1-based): chr17:65,225,159, G>T. VCF-style: chr17-65225159-G-T. GRCh37 (hg19) VCF-style: chr17-63221277-G-T.
Other names: c.1556G>T, p.Cys519Phe (NM_001081955.3); c.1565G>T (NM_003835.3); short protein forms C519F, C522F.
Identifiers: ClinVar variation 2054874 (VCV002054874.2), dbSNP rs777245999, ClinGen allele CA8718095.